The following is an entry in ClinVar:

NM_000059.4(BRCA2):c.4192G>A (p.Ala1398Thr)

Gene: BRCA2 (BRCA2 DNA repair associated; plus strand). Cytogenetic location: 13q13.1.
Variant type: single nucleotide variant.
Coding change: c.4192G>A on transcript NM_000059.4 (MANE Select); coding-DNA position 4192, G replaced by A.
Protein change: p.Ala1398Thr; replaces alanine 1398 with threonine.
Molecular consequence: missense variant.
Genome position (GRCh38, 1-based): chr13:32,338,547, G>A. VCF-style: chr13-32338547-G-A. GRCh37 (hg19) VCF-style: chr13-32912684-G-A.
Other names: short protein forms A1398T.
Identifiers: ClinVar variation 232652 (VCV000232652.9), dbSNP rs876659902, ClinGen allele CA10579603.

ClinVar aggregate classification (germline): Conflicting classifications of pathogenicity. Review status: criteria provided, conflicting classifications (1 of 4 stars). 4 submissions from 4 submitters: Uncertain significance (2); Likely benign (2). Last evaluated 2025-11-25.

Conditions:
Hereditary cancer-predisposing syndrome. Also called: Hereditary Cancer Syndrome; Neoplastic Syndromes, Hereditary; Tumor predisposition; Hereditary neoplastic syndrome. Identifiers: Orphanet 140162, MedGen C0027672, MeSH D009386, MONDO:0015356.
Breast-ovarian cancer, familial, susceptibility to, 2 (BROVCA2). Also called: BRCA2 Hereditary Breast and Ovarian Cancer. Identifiers: Orphanet 145, MedGen C2675520, MONDO:0012933, OMIM 612555. Disease mechanism: loss of function.

gnomAD v4.1: 1 of 1,602,500 alleles (0.000062%); highest among the groups gnomAD compares: South Asian, 0.0011%; no homozygotes.

Submissions (4):

Color Diagnostics, LLC DBA Color Health
Classification: Uncertain significance for Hereditary cancer-predisposing syndrome. Last evaluated: 2025-11-25. Review status: criteria provided, single submitter. Criteria: ACMG Guidelines, 2015. Collection method: clinical testing. Allele origin: germline.
Comment: This missense variant replaces alanine with threonine at codon 1398 of the BRCA2 protein. Computational prediction suggests that this variant may not impact protein structure and function. To our knowledge, functional studies have not been reported for this variant. This variant has been detected in a breast cancer case-control meta-analysis in 1/60466 cases and absent in 53461 unaffected individuals (PMID: 33471991LOVD DB-ID BRCA2_008172) and in an unaffected individual (PMID: 29641532). Multifactorial analysis reached a likelihood ratio (LR) of 1.613 based on case-control data (PMID: 40413188). This variant has been identified in 1/1602500 chromosomes in the general population by the Genome Aggregation Database (gnomAD). The available evidence is insufficient to determine the role of this variant in disease conclusively. Therefore, this variant is classified as a Variant of Uncertain Significance.

All of Us Research Program, National Institutes of Health
Classification: Uncertain significance for Breast-ovarian cancer, familial, susceptibility to, 2. Last evaluated: 2023-12-13. Review status: criteria provided, single submitter. Criteria: ACMG Guidelines, 2015. Collection method: clinical testing. Allele origin: germline. Inheritance: Autosomal dominant inheritance. Observed: 1 variant allele, 1 heterozygote.
Comment: This missense variant replaces alanine with threonine at codon 1398 of the BRCA2 protein. Computational prediction suggests that this variant may not impact protein structure and function (internally defined REVEL score threshold <= 0.5, PMID: 27666373). To our knowledge, functional studies have not been reported for this variant. This variant has been reported in an individual affected with breast cancer (PMID: 33471991; Leiden Open Variation Database DB-ID BRCA2_008172) and in an unaffected individual (PMID: 29641532). This variant has not been identified in the general population by the Genome Aggregation Database (gnomAD). The available evidence is insufficient to determine the role of this variant in disease conclusively. Therefore, this variant is classified as a Variant of Uncertain Significance.

This study involves interpretation of variants in research participants for the purpose of population health screening. Participant phenotype was not available at the time of variant classification. Additional details can be found in publication PMID: 35346344, PMCID: PMC8962531

University of Washington Department of Laboratory Medicine, University of Washington
Classification: Likely benign for Hereditary cancer-predisposing syndrome. Last evaluated: 2023-03-23. Review status: criteria provided, single submitter. Criteria: Dines et al. (Genet Med. 2020). Collection method: curation. Allele origin: germline.
Comment: Missense variant in a coldspot region where missense variants are very unlikely to be pathogenic (PMID:31911673).

BRCA2 exon 11 coldspot. Reclassification based on statistical prior probability.

Ambry Genetics
Classification: Likely benign for Hereditary cancer-predisposing syndrome. Last evaluated: 2015-06-24. Review status: criteria provided, single submitter. Criteria: Ambry Variant Classification Scheme 2023. Collection method: clinical testing. Allele origin: germline.

Literature cited by the submitters: PubMed 29641532 (cited by Color Diagnostics, LLC DBA Color Health and All of Us Research Program, National Institutes of Health); PubMed 33471991 (cited by Color Diagnostics, LLC DBA Color Health and All of Us Research Program, National Institutes of Health); PubMed 40413188 (cited by Color Diagnostics, LLC DBA Color Health).